The following is an entry in ClinVar:

ClinVar aggregate classification (germline): Likely pathogenic (1 of 4 stars; one submission).

Allele frequency attached by ClinVar (database versions not stated): gnomAD exomes below 0.00001.
gnomAD v4.1: 1 of 1,614,042 alleles (0.000062%); highest among the groups gnomAD compares: Admixed American, 0.0017%; no homozygotes.

Submission:

Labcorp Genetics (formerly Invitae), Labcorp
Classification: Likely pathogenic. Last evaluated: 2022-08-12. Review status: criteria provided, single submitter. Criteria: Invitae Variant Classification Sherloc (09022015). Collection method: clinical testing. Allele origin: germline.
Comment: This variant has not been reported in the literature in individuals affected with ARFGEF2-related conditions. Algorithms developed to predict the effect of sequence changes on RNA splicing suggest that this variant may disrupt the consensus splice site. In summary, the currently available evidence indicates that the variant is pathogenic, but additional data are needed to prove that conclusively. Therefore, this variant has been classified as Likely Pathogenic. This sequence change affects an acceptor splice site in intron 29 of the ARFGEF2 gene. It is expected to disrupt RNA splicing. Variants that disrupt the donor or acceptor splice site typically lead to a loss of protein function (PMID: 16199547), and loss-of-function variants in ARFGEF2 are known to be pathogenic (PMID: 14647276, 25160555). This variant is not present in population databases (gnomAD no frequency).

Literature cited by the submitters: PubMed 16199547; PubMed 14647276; PubMed 25160555.

NM_006420.3(ARFGEF2):c.4050-2A>T

Gene: ARFGEF2 (ARF guanine nucleotide exchange factor 2; plus strand). Cytogenetic location: 20q13.13.
Variant type: single nucleotide variant.
Coding change: c.4050-2A>T on transcript NM_006420.3 (MANE Select); the canonical splice acceptor site of the intron before coding-DNA position 4050, A replaced by T.
Molecular consequence: splice acceptor variant.
Genome position (GRCh38, 1-based): chr20:49,013,829, A>T. VCF-style: chr20-49013829-A-T. GRCh37 (hg19) VCF-style: chr20-47630366-A-T.
Other names: c.4047-2A>T (NM_001410846.1).
Identifiers: ClinVar variation 2023723 (VCV002023723.4), dbSNP rs2515577949, ClinGen allele CA409323861.